The following is an entry in ClinVar:

NM_198291.3(SRC):c.387A>G (p.Thr129=)

Gene: SRC (SRC proto-oncogene, non-receptor tyrosine kinase; plus strand). Cytogenetic location: 20q11.23.
Variant type: single nucleotide variant.
Coding change: c.387A>G on transcript NM_198291.3 (MANE Select); coding-DNA position 387, A replaced by G.
Protein change: p.Thr129=; no amino-acid change (threonine 129 retained).
Molecular consequence: synonymous variant.
Genome position (GRCh38, 1-based): chr20:37,393,931, A>G. VCF-style: chr20-37393931-A-G. GRCh37 (hg19) VCF-style: chr20-36022334-A-G.
Other names: p.Thr129=; c.387A>G, p.Thr129= (NM_005417.5).
Identifiers: ClinVar variation 714899 (VCV000714899.19), dbSNP rs149325729, ClinGen allele CA9847745.

ClinVar aggregate classification (germline): Benign/Likely benign. Review status: criteria provided, multiple submitters, no conflicts (2 of 4 stars). 4 submissions from 4 submitters: Benign (1); Likely benign (3). Last evaluated 2025-04-23.

Allele frequency attached by ClinVar (database versions not stated): gnomAD exomes 0.00017; ESP Exome Variant Server 0.00131; 1000 Genomes Project 0.00160; 1000 Genomes Project 30x 0.00187; gnomAD 0.00188 and 0.00207; TOPMed 0.00222.
gnomAD v4.1: 551 of 1,614,092 alleles (0.034%); highest among the groups gnomAD compares: African/African-American, 0.64%; no homozygotes.

Submissions (4):

Mayo Clinic Laboratories, Mayo Clinic
Classification: Likely benign. Last evaluated: 2025-04-23. Review status: criteria provided, single submitter. Criteria: ACMG Guidelines, 2015. Collection method: clinical testing. Allele origin: germline. Observed: 2 variant alleles.
Comment: BS1_supporting, BP4, BP7

Blueprint Genetics
Classification: Likely benign. Last evaluated: 2024-11-28. Review status: criteria provided, single submitter. Criteria: ACMG Guidelines, 2015. Collection method: clinical testing. Allele origin: germline.

CeGaT Center for Human Genetics Tuebingen
Classification: Likely benign. Last evaluated: 2024-11-01. Review status: criteria provided, single submitter. Criteria: CeGaT Center For Human Genetics Tuebingen Variant Classification Criteria Version 2. Collection method: clinical testing. Allele origin: germline. Affected: yes. Observed: 1 variant allele.
Comment: SRC: BP4, BP7

Labcorp Genetics (formerly Invitae), Labcorp
Classification: Benign. Last evaluated: 2018-08-20. Review status: criteria provided, single submitter. Criteria: Invitae Variant Classification Sherloc (09022015). Collection method: clinical testing. Allele origin: germline.